The following is an entry in ClinVar:

NM_080605.4(B3GALT6):c.536G>C (p.Arg179Pro)

Gene: B3GALT6 (beta-1,3-galactosyltransferase 6; plus strand). Cytogenetic location: 1p36.33.
Variant type: single nucleotide variant.
Coding change: c.536G>C on transcript NM_080605.4 (MANE Select); coding-DNA position 536, G replaced by C.
Protein change: p.Arg179Pro; replaces arginine 179 with proline.
Molecular consequence: missense variant.
Genome position (GRCh38, 1-based): chr1:1,232,814, G>C. VCF-style: chr1-1232814-G-C. GRCh37 (hg19) VCF-style: chr1-1168194-G-C.
Other names: c.536G>C (NM_080605.3); short protein forms R179P.
Identifiers: ClinVar variation 1973684 (VCV001973684.6), dbSNP rs772512796, ClinGen allele CA337826409.

ClinVar aggregate classification (germline): Uncertain significance. Review status: criteria provided, multiple submitters, no conflicts (2 of 4 stars). 2 submissions from 2 submitters: Uncertain significance (2). Last evaluated 2024-04-05.

Conditions:
B3GALT6-related disorder. Also called: B3GALT6-related condition.
Ehlers-Danlos syndrome, spondylodysplastic type, 2 (EDSSPD2). Also called: Ehlers-Danlos syndrome, progeroid type, 2. Identifiers: Orphanet 536467, Orphanet 75496, MedGen C3809210, MONDO:0014139, OMIM 615349.
Spondyloepimetaphyseal dysplasia with joint laxity (SEMDJL). Identifiers: MedGen C0432243, MONDO:0019675.

Submissions (2):

Labcorp Genetics (formerly Invitae), Labcorp
Classification: Uncertain significance for Ehlers-Danlos syndrome, spondylodysplastic type, 2; Spondyloepimetaphyseal dysplasia with joint laxity. Last evaluated: 2024-04-05. Review status: criteria provided, single submitter. Criteria: Invitae Variant Classification Sherloc (09022015). Collection method: clinical testing. Allele origin: germline.
Comment: This sequence change replaces arginine, which is basic and polar, with proline, which is neutral and non-polar, at codon 179 of the B3GALT6 protein (p.Arg179Pro). This variant is not present in population databases (gnomAD no frequency). This variant has not been reported in the literature in individuals affected with B3GALT6-related conditions. ClinVar contains an entry for this variant (Variation ID: 1973684). Advanced modeling of protein sequence and biophysical properties (such as structural, functional, and spatial information, amino acid conservation, physicochemical variation, residue mobility, and thermodynamic stability) performed at Invitae indicates that this missense variant is not expected to disrupt B3GALT6 protein function with a negative predictive value of 80%. In summary, the available evidence is currently insufficient to determine the role of this variant in disease. Therefore, it has been classified as a Variant of Uncertain Significance.

PreventionGenetics, part of Exact Sciences
Classification: Uncertain significance for B3GALT6-related condition. Last evaluated: 2023-05-08. Review status: criteria provided, single submitter. Criteria: ACMG Guidelines, 2015. Collection method: clinical testing. Allele origin: germline.
Comment: The B3GALT6 c.536G>C variant is predicted to result in the amino acid substitution p.Arg179Pro. To our knowledge, this variant has not been reported in the literature or in a large population database, indicating this variant is rare. At this time, the clinical significance of this variant is uncertain due to the absence of conclusive functional and genetic evidence.